The following is an entry in ClinVar:

ClinVar aggregate classification (germline): Pathogenic/Likely pathogenic. Review status: criteria provided, multiple submitters, no conflicts (2 of 4 stars). 10 submissions from 10 submitters: Pathogenic (6); Likely pathogenic (1). 3 of the submissions do not count toward it. Last evaluated 2026-07-07.

Conditions:
Hyperthyroidism. Identifiers: MedGen C0020550, MONDO:0004425, HP:0000836.
Inborn genetic diseases. Identifiers: MedGen C0950123, MeSH D030342.
THRB-related disorder. Also called: THRB-related condition.
Thyroid hormone resistance, generalized, autosomal dominant (GRTHD). Also called: HYPERTHYROXINEMIA, FAMILIAL EUTHYROID, SECONDARY TO PITUITARY AND PERIPHERAL RESISTANCE TO THYROID HORMONES. Identifiers: MedGen C2937288, MONDO:0008569, OMIM 188570.

Allele frequency attached by ClinVar (database versions not stated): gnomAD exomes below 0.00001.
gnomAD v4.1: 2 of 1,614,186 alleles (0.00012%); highest among the groups gnomAD compares: Non-Finnish European, 0.00017%; no homozygotes.

Submissions (10):

Cambridge Genomics Laboratory, East Genomic Laboratory Hub, NHS Genomic Medicine Service
Classification: Pathogenic for Hyperthyroidism. Last evaluated: 2026-07-07. Review status: criteria provided, single submitter. Criteria: ACGS Best Practice Guidelines for Variant Classification in Rare Disease 2020. Collection method: clinical testing. Allele origin: germline. Affected: yes.
Comment: PS3_Supporting,PS4_Moderate,PM1_Supporting,PM2_Supporting,PM5,PP1_Strong,PP3

GeneDx
Classification: Pathogenic. Last evaluated: 2026-01-27. Review status: criteria provided, single submitter. Criteria: GeneDx Variant Classification Process June 2021. Collection method: clinical testing. Allele origin: germline.
Comment: Published functional studies demonstrate a reduction in T3 binding affinity for the R320H variant (PMID: 25040256); Not observed at significant frequency in large population cohorts (gnomAD); In silico analysis supports that this missense variant has a deleterious effect on protein structure/function; This variant is associated with the following publications: (PMID: 8514853, 23926384, 34860176, 36531240, 33524107, 20615127, 1314846, 39713907, 25099553, 9086567, 1358935, 16053391, 25040256)

Women's Health and Genetics/Laboratory Corporation of America, LabCorp
Classification: Pathogenic for Thyroid hormone resistance, generalized, autosomal dominant. Last evaluated: 2025-04-21. Review status: criteria provided, single submitter. Criteria: LabCorp Variant Classification Summary - May 2015. Collection method: clinical testing. Allele origin: germline.
Comment: Variant summary: THRB c.959G>A (p.Arg320His) results in a non-conservative amino acid change in the encoded protein sequence. Five of five in-silico tools predict a damaging effect of the variant on protein function. The variant was absent in 251466 control chromosomes. c.959G>A has been observed in individual(s) affected with Thyroid Hormone Resistance, Generalized, Autosomal Dominant (e.g. Macchia_2014, Weiss_1993). These data indicate that the variant is likely to be associated with disease. A different variant affecting the same codon has been classified as pathogenic by our lab (c.958C>T, p.Arg320Cys), supporting the critical relevance of codon 320 to THRB protein function. At least one publication reports experimental evidence evaluating an impact on protein function. The results show an impact on protein function (Nakajima_2010). The following publications have been ascertained in the context of this evaluation (PMID: 25040256, 20615127, 8514853). ClinVar contains an entry for this variant (Variation ID: 12553). Based on the evidence outlined above, the variant was classified as pathogenic.

Clinical Genetics Laboratory, Skane University Hospital Lund
Classification: Pathogenic. Last evaluated: 2023-11-28. Review status: criteria provided, single submitter. Criteria: ACMG Guidelines, 2015. Collection method: clinical testing. Allele origin: germline. Affected: yes.

Blueprint Genetics
Classification: Pathogenic for THRB-related disorders. Last evaluated: 2023-07-03. Review status: criteria provided, single submitter. Criteria: ACMG Guidelines, 2015. Collection method: clinical testing. Allele origin: germline. Affected: yes. Observed: 4 variant alleles.

Quest Diagnostics Nichols Institute San Juan Capistrano
Classification: Pathogenic. Last evaluated: 2022-06-27. Review status: criteria provided, single submitter. Criteria: Quest Diagnostics criteria. Collection method: clinical testing. Allele origin: unknown.
Comment: It has not been reported in large, multi-ethnic general populations. In the published literature, this variant was reported in multiple families who were affected with resistance to thyroid hormone (RTH), including those with a mild phenotype (PMIDs: 1314846 (1992), 23926384 (2010), and 25040256 (2014)). Functional studies have shown that this variant is associated with decreased T3 binding affinity (PMIDs: 1314846 (1992)) and 25040256 (2014)). Based on the available information, this variant is classified as pathogenic.

Ambry Genetics
Classification: Likely pathogenic for Inborn genetic diseases. Last evaluated: 2015-02-02. Review status: criteria provided, single submitter. Criteria: Ambry exome assertion method (8-5-2015). Collection method: clinical testing. Allele origin: germline. Affected: yes. Observed: 1 variant allele.

PreventionGenetics, part of Exact Sciences
Classification: Pathogenic for THRB-related condition. Last evaluated: 2024-08-19. Review status: no assertion criteria provided. Collection method: clinical testing. Allele origin: germline. Not counted in ClinVar's aggregate classification.
Comment: The THRB c.959G>A variant is predicted to result in the amino acid substitution p.Arg320His. This variant has been reported to be causative for autosomal dominant thyroid hormone resistance (Weiss et al. 1993. PubMed ID: 8514853; Narumi et al. 2010. PubMed ID: 23926384; Macchia et al. 2014. PubMed ID: 25040256). Other substitutions at this same amino acid (p.Arg320Ser, p.Arg320Cys, and p.Arg320Leu) have also been found in patients with thyroid hormone resistance (Amor et al. 2014, PubMed ID: 24722129; Burman et al. 1992. PubMed ID: 1358935; Adams et al. 1994. PubMed ID: 8040303). This variant has not been reported in a large population database, indicating this variant is rare. This variant is interpreted as pathogenic.

Clinical Molecular Genetics Laboratory, Johns Hopkins All Children's Hospital
Classification: Pathogenic for Thyroid hormone resistance, generalized, autosomal dominant. Last evaluated: 2012-10-12. Review status: no assertion criteria provided. Collection method: clinical testing. Allele origin: germline. Affected: yes. Not counted in ClinVar's aggregate classification.

OMIM
Classification: Pathogenic for THYROID HORMONE RESISTANCE, GENERALIZED, AUTOSOMAL DOMINANT. Last evaluated: 1993-06-01. Review status: no assertion criteria provided. Collection method: literature only. Allele origin: germline. Not counted in ClinVar's aggregate classification.

Literature cited by the submitters: PubMed 25040256 (cited by Women's Health and Genetics/Laboratory Corporation of America, LabCorp and Quest Diagnostics Nichols Institute San Juan Capistrano); PubMed 8514853 (cited by 4 submitters); PubMed 20615127 (cited by Women's Health and Genetics/Laboratory Corporation of America, LabCorp); PubMed 1314846 (cited by Quest Diagnostics Nichols Institute San Juan Capistrano and OMIM); PubMed 16053391 (cited by Quest Diagnostics Nichols Institute San Juan Capistrano); PubMed 23926384 (cited by Quest Diagnostics Nichols Institute San Juan Capistrano); PubMed 10918302 (cited by Ambry Genetics).

NM_001354712.2(THRB):c.959G>A (p.Arg320His)

Gene: THRB (thyroid hormone receptor beta; minus strand). Cytogenetic location: 3p24.2.
Variant type: single nucleotide variant.
Coding change: c.959G>A on transcript NM_001354712.2 (MANE Select); coding-DNA position 959, G replaced by A.
Protein change: p.Arg320His; replaces arginine 320 with histidine.
Molecular consequence: missense variant.
Genome position (GRCh38, 1-based): chr3:24,127,684, C>T on the plus strand (G>A on the coding strand, the complement: THRB is on the minus strand). VCF-style: chr3-24127684-C-T. GRCh37 (hg19) VCF-style: chr3-24169175-C-T.
Other names: c.959G>A, p.Arg320His (NM_000461.5, NM_001128176.3, NM_001128177.2 and 6 more transcripts); c.866G>A, p.Arg289His (NM_001354714.2, NM_001354715.2); short protein forms R320H, R289H.
Identifiers: ClinVar variation 12553 (VCV000012553.16), dbSNP rs121918693, ClinGen allele CA122487.